The following is an entry in ClinVar:

NM_002180.3(IGHMBP2):c.1537+198T>C

Genes: IGHMBP2 (immunoglobulin mu DNA binding protein 2; plus strand), LOC126861245 (CDK7 strongly-dependent group 2 enhancer GRCh37_chr11:68701479-68702678; plus strand). Cytogenetic location: 11q13.3.
Variant type: single nucleotide variant.
Coding change: c.1537+198T>C on transcript NM_002180.3 (MANE Select); 198 bases into the intron after coding-DNA position 1537, T replaced by C.
Molecular consequence: intron variant.
Genome position (GRCh38, 1-based): chr11:68,934,111, T>C. VCF-style: chr11-68934111-T-C. GRCh37 (hg19) VCF-style: chr11-68701579-T-C.
Identifiers: ClinVar variation 681885 (VCV000681885.2), dbSNP rs751879, ClinGen allele CA13420592.
Genomic context (GRCh38, chr11:68,934,111, plus strand): 5'-ACTGCAAGAGGCTGAGCAGCATCGTTTTCTCCAGGGTGAGCAGACCGCTCCTGGGTGAGA[T>C]GGGCCTGGCAGCATTTTACGGCCTTCTCCTGAATGGTGGCCCAGCTCTGCCTGGCTGGTC-3'

ClinVar aggregate classification (germline): Benign. Review status: criteria provided, multiple submitters, no conflicts (2 of 4 stars). 2 submissions from 2 submitters: Benign (2). Last evaluated 2018-06-14.

Allele frequency attached by ClinVar (database versions not stated): 1000 Genomes Project 0.13299; 1000 Genomes Project 30x 0.13616; gnomAD exomes 0.19755; gnomAD 0.20002 and 0.20682; TOPMed 0.21097.
gnomAD v4.1: 125,769 of 631,516 alleles (20%); highest among the groups gnomAD compares: Non-Finnish European, 24%; 14,229 homozygotes.

Submissions (2):

GeneDx
Classification: Benign. Last evaluated: 2018-06-14. Review status: criteria provided, single submitter. Criteria: GeneDx Variant Classification (06012015). Collection method: clinical testing. Allele origin: germline. Affected: yes.
Comment: This variant is considered likely benign or benign based on one or more of the following criteria: it is a conservative change, it occurs at a poorly conserved position in the protein, it is predicted to be benign by multiple in silico algorithms, and/or has population frequency not consistent with disease.

Breakthrough Genomics
Classification: Benign. Review status: criteria provided, single submitter. Criteria: ACMG Guidelines, 2015. Collection method: not provided. Allele origin: germline. Inheritance: Autosomal recessive inheritance. Affected: yes.